The following is an entry in ClinVar:

NM_003119.4(SPG7):c.*592C>T

Gene: SPG7 (SPG7 matrix AAA peptidase subunit, paraplegin; plus strand). Cytogenetic location: 16q24.3.
Variant type: single nucleotide variant.
Coding change: c.*592C>T on transcript NM_003119.4 (MANE Select); 592 bases downstream of the stop codon, C replaced by T.
Molecular consequence: 3 prime UTR variant.
Genome position (GRCh38, 1-based): chr16:89,557,685, C>T. VCF-style: chr16-89557685-C-T. GRCh37 (hg19) VCF-style: chr16-89624093-C-T.
Other names: c.*758C>T (NM_001363850.1).
Identifiers: ClinVar variation 321300 (VCV000321300.5), dbSNP rs8059296, ClinGen allele CA10648366.

ClinVar aggregate classification (germline): Likely benign (1 of 4 stars; one submission).

Conditions:
Hereditary spastic paraplegia 7 (SPG7). Also called: SPG7-related neurologic disorder; Autosomal recessive spastic paraplegia type 7; SPASTIC PARAPLEGIA 7, AUTOSOMAL RECESSIVE, WITH OR WITHOUT CEREBELLAR ATAXIA; Spastic paraplegia 7; Hereditary spastic paraplegia Paraplegin type. Identifiers: Orphanet 99013, MedGen C1846564, MONDO:0011803, OMIM 607259.

Allele frequency attached by ClinVar (database versions not stated): gnomAD exomes 0.00012; gnomAD 0.01037 and 0.01109; TOPMed 0.01234; 1000 Genomes Project 30x 0.01280; 1000 Genomes Project 0.01298.
gnomAD v4.1: 1,561 of 160,804 alleles (0.97%); highest among the groups gnomAD compares: African/African-American, 3.6%; 30 homozygotes.

Submission:

Illumina Laboratory Services, Illumina
Classification: Likely benign for Hereditary spastic paraplegia 7. Last evaluated: 2018-01-12. Review status: criteria provided, single submitter. Criteria: ICSL Variant Classification Criteria 13 December 2019. Collection method: clinical testing. Allele origin: germline.
Comment: This variant was observed in the ICSL laboratory as part of a predisposition screen in an ostensibly healthy population. It had not been previously curated by ICSL or reported in the Human Gene Mutation Database (HGMD: prior to June 1st, 2018), and was therefore a candidate for classification through an automated scoring system. Utilizing variant allele frequency, disease prevalence and penetrance estimates, and inheritance mode, an automated score was calculated to assess if this variant is too frequent to cause the disease. Based on the score and internal cut-off values, a variant classified as likely benign is not then subjected to further curation. The score for this variant resulted in a classification of likely benign for this disease.